The following is an entry in ClinVar:

NM_001048174.2(MUTYH):c.492+4A>C

Gene: MUTYH (mutY DNA glycosylase; minus strand). Cytogenetic location: 1p34.1.
Variant type: single nucleotide variant.
Coding change: c.492+4A>C on transcript NM_001048174.2 (MANE Select); 4 bases into the intron after coding-DNA position 492, A replaced by C.
Molecular consequence: intron variant.
Genome position (GRCh38, 1-based): chr1:45,332,759, T>G on the plus strand (A>C on the coding strand, the complement: MUTYH is on the minus strand). VCF-style: chr1-45332759-T-G. GRCh37 (hg19) VCF-style: chr1-45798431-T-G.
Other names: c.147+4A>C (NM_001350651.2, NM_001350650.2); c.216+4A>C (NM_001293192.2, NM_001293196.2); c.492+4A>C (NM_001048171.2, NM_001048173.2, NM_001293195.2); c.537+4A>C (NM_001293190.2); c.567+4A>C (NM_012222.3); c.576+4A>C (NM_001128425.2); c.495+4A>C (NM_001048172.2); c.525+4A>C (NM_001293191.2).
Identifiers: ClinVar variation 423338 (VCV000423338.2), dbSNP rs1064796369, ClinGen allele CA16617166.

ClinVar aggregate classification (germline): Uncertain significance (1 of 4 stars; one submission).

Submission:

GeneDx
Classification: Uncertain significance. Last evaluated: 2017-02-06. Review status: criteria provided, single submitter. Criteria: GeneDx Variant Classification (06012015). Collection method: clinical testing. Allele origin: germline. Affected: yes.
Comment: This variant is denoted MUTYH c.576+4A>C or IVS7+4A>C and consists of an A>C nucleotide substitution at the +4 position of intron 7 of the MUTYH gene. This variant is not predicted to cause abnormal splicing; however, in the absence of RNA or functional studies, the actual effect of this variant is unknown. This variant has not, to our knowledge, been published in the literature as pathogenic or benign. MUTYH c.576+4A>C was not observed in approximately 6,500 individuals of European and African American ancestry in the NHLBI Exome Sequencing Project, suggesting it is not a common benign variant in these populations.The adenine (A) nucleotide that is altered is conserved across species. Based on currently available information, it is unclear whether MUTYH c.576+4A>C is pathogenic or benign. We consider it to be a variant of uncertain significance. Of note, MUTYH-Associated Polyposis (MAP) is a recessive condition associated with two pathogenic variants on opposite chromosomes in MUTYH.